The following is an entry in ClinVar:

ClinVar aggregate classification (germline): Uncertain significance (1 of 4 stars; one submission).

Conditions:
Hereditary cancer-predisposing syndrome. Also called: Hereditary neoplastic syndrome; Neoplastic Syndromes, Hereditary; Tumor predisposition; Hereditary Cancer Syndrome. Identifiers: Orphanet 140162, MedGen C0027672, MeSH D009386, MONDO:0015356.

Submission:

Ambry Genetics
Classification: Uncertain significance for Hereditary cancer-predisposing syndrome. Last evaluated: 2025-01-03. Review status: criteria provided, single submitter. Criteria: Ambry Variant Classification Scheme 2023. Collection method: clinical testing. Allele origin: germline.
Comment: The c.601+1G>A intronic variant results from a G to A substitution one nucleotide after coding exon 1 of the HOXB13 gene. This nucleotide position is highly conserved in available vertebrate species. In silico splice site analysis predicts that this alteration will weaken the native splice donor site and may result in the creation or strengthening of a novel splice donor site. Alterations that disrupt the canonical splice site are expected to cause aberrant splicing, resulting in an abnormal protein or a transcript that is subject to nonsense-mediated mRNA decay. However, loss of function of HOXB13 has not been established as a mechanism of disease. Based on the available evidence, the clinical significance of this alteration remains unclear.

NM_006361.6(HOXB13):c.601+1G>A

Gene: HOXB13 (homeobox B13; minus strand). Cytogenetic location: 17q21.32.
Variant type: single nucleotide variant.
Coding change: c.601+1G>A on transcript NM_006361.6 (MANE Select); the canonical splice donor site of the intron after coding-DNA position 601, G replaced by A.
Molecular consequence: splice donor variant.
Genome position (GRCh38, 1-based): chr17:48,727,992, C>T on the plus strand (G>A on the coding strand, the complement: HOXB13 is on the minus strand). VCF-style: chr17-48727992-C-T. GRCh37 (hg19) VCF-style: chr17-46805354-C-T.
Identifiers: ClinVar variation 3858421 (VCV003858421.1).